The following is an entry in ClinVar:

NM_020822.3(KCNT1):c.2653A>G (p.Lys885Glu)

Gene: KCNT1 (potassium sodium-activated channel subfamily T member 1; plus strand). Cytogenetic location: 9q34.3.
Variant type: single nucleotide variant.
Coding change: c.2653A>G on transcript NM_020822.3 (MANE Select); coding-DNA position 2653, A replaced by G.
Protein change: p.Lys885Glu; replaces lysine 885 with glutamic acid.
Molecular consequence: missense variant.
Genome position (GRCh38, 1-based): chr9:135,778,746, A>G. VCF-style: chr9-135778746-A-G. GRCh37 (hg19) VCF-style: chr9-138670592-A-G.
Other names: c.2518A>G, p.Lys840Glu (NM_001272003.2); short protein forms K885E, K840E.
Identifiers: ClinVar variation 420774 (VCV000420774.12), dbSNP rs974652934, ClinGen allele CA16618798.

ClinVar aggregate classification (germline): Uncertain significance. Review status: criteria provided, multiple submitters, no conflicts (2 of 4 stars). 4 submissions from 3 submitters: Uncertain significance (4). Last evaluated 2025-02-06.

Conditions:
Developmental and epileptic encephalopathy, 14 (DEE14). Also called: Early infantile epileptic encephalopathy 14. Identifiers: Orphanet 293181, MedGen C3554195, MONDO:0013989, OMIM 614959.
Autosomal dominant nocturnal frontal lobe epilepsy 5. Also called: CILIARY DYSKINESIA, PRIMARY, 28, WITH SITUS INVERSUS; Epilepsy, nocturnal frontal lobe, 5; CILIARY DYSKINESIA, PRIMARY, 28, WITHOUT SITUS INVERSUS; KCNT1-Related Epilepsy. Identifiers: Orphanet 98784, MedGen C3554306, MONDO:0014002, OMIM 615005.

Allele frequency attached by ClinVar (database versions not stated): gnomAD exomes below 0.00001; TOPMed below 0.00001.
gnomAD v4.1: 1 of 1,613,870 alleles (0.000062%); no homozygotes.

Submissions (4):

Labcorp Genetics (formerly Invitae), Labcorp
Classification: Uncertain significance for Autosomal dominant nocturnal frontal lobe epilepsy 5; Developmental and epileptic encephalopathy, 14. Last evaluated: 2025-02-06. Review status: criteria provided, single submitter. Criteria: Invitae Variant Classification Sherloc (09022015). Collection method: clinical testing. Allele origin: germline.
Comment: This sequence change replaces lysine, which is basic and polar, with glutamic acid, which is acidic and polar, at codon 885 of the KCNT1 protein (p.Lys885Glu). This variant is not present in population databases (gnomAD no frequency). This missense change has been observed in individual(s) with clinical features of KCNT1-related conditions (internal data). ClinVar contains an entry for this variant (Variation ID: 420774). Invitae Evidence Modeling of protein sequence and biophysical properties (such as structural, functional, and spatial information, amino acid conservation, physicochemical variation, residue mobility, and thermodynamic stability) indicates that this missense variant is not expected to disrupt KCNT1 protein function with a negative predictive value of 80%. In summary, the available evidence is currently insufficient to determine the role of this variant in disease. Therefore, it has been classified as a Variant of Uncertain Significance.

Genome-Nilou Lab
Classification: Uncertain significance for Developmental and epileptic encephalopathy, 14. Last evaluated: 2022-03-15. Review status: criteria provided, single submitter. Criteria: ACMG Guidelines, 2015. Collection method: clinical testing. Allele origin: germline. Affected: no.

Genome-Nilou Lab
Classification: Uncertain significance for Autosomal dominant nocturnal frontal lobe epilepsy 5. Last evaluated: 2022-03-15. Review status: criteria provided, single submitter. Criteria: ACMG Guidelines, 2015. Collection method: clinical testing. Allele origin: germline. Affected: no.

GeneDx
Classification: Uncertain significance. Last evaluated: 2019-06-24. Review status: criteria provided, single submitter. Criteria: GeneDx Variant Classification Process June 2021. Collection method: clinical testing. Allele origin: germline. Affected: yes.
Comment: Not observed in large population cohorts (Lek et al., 2016); In silico analysis, which includes protein predictors and evolutionary conservation, supports a deleterious effect; Has not been previously published as pathogenic or benign to our knowledge